The following is an entry in ClinVar:

ClinVar aggregate classification (germline): Conflicting classifications of pathogenicity. Review status: criteria provided, conflicting classifications (1 of 4 stars). 6 submissions from 5 submitters: Uncertain significance (1); Benign (1); Likely benign (4). Last evaluated 2026-05-26.

Conditions:
Cardiovascular phenotype. Identifiers: MedGen CN230736.
Hypoalphalipoproteinemia, primary, 1. Identifiers: Orphanet 425, MedGen C5231558, MONDO:0011393, OMIM 604091.
Tangier disease (TGD). Also called: HIGH DENSITY LIPOPROTEIN DEFICIENCY, TANGIER TYPE; HIGH DENSITY LIPOPROTEIN DEFICIENCY, TYPE 1; Cholesterol thesaurismosis. Identifiers: Orphanet 31150, MedGen C0039292, MONDO:0008783, OMIM 205400.

Allele frequency attached by ClinVar (database versions not stated): 1000 Genomes Project 30x 0.00016; 1000 Genomes Project 0.00020; ExAC 0.00043; gnomAD exomes 0.00043 and 0.00088; gnomAD 0.00060 and 0.00061; TOPMed 0.00067; ESP Exome Variant Server 0.00115.
gnomAD v4.1: 1,379 of 1,613,722 alleles (0.085%); highest among the groups gnomAD compares: Non-Finnish European, 0.11%; no homozygotes.

Submissions (6):

Women's Health and Genetics/Laboratory Corporation of America, LabCorp
Classification: Likely benign. Last evaluated: 2026-05-26. Review status: criteria provided, single submitter. Criteria: LabCorp Variant Classification Summary - May 2015. Collection method: clinical testing. Allele origin: germline.
Comment: Variant summary: ABCA1 c.3544G>A (p.Ala1182Thr) results in a non-conservative amino acid change in the encoded protein sequence. Algorithms developed to predict the effect of missense changes on protein structure and function are either unavailable or do not agree on the potential impact of this missense change. The variant allele was found at a frequency of 0.00043 in 251438 control chromosomes (gnomAD). The observed variant frequency exceeds the estimated maximal expected allele frequency for disease-causing variants in ABCA1. c.3544G>A has not been reported in the literature in individuals affected with Early Onset Coronary Artery Disease and was reported in controls with normal HDL-C levels (Peloso_2016). However, this variant was also reported in one individual with low HDL-C (Dron_2017). The report does not provide unequivocal conclusions about association of the variant with disease. To our knowledge, no experimental evidence demonstrating an impact on protein function has been reported. The following publications have been ascertained in the context of this evaluation (PMID: 28870971, 26350511, 23139370). ClinVar contains an entry for this variant (Variation ID: 364414). Based on the evidence outlined above, the variant was classified as likely benign.

Labcorp Genetics (formerly Invitae), Labcorp
Classification: Likely benign. Last evaluated: 2025-12-08. Review status: criteria provided, single submitter. Criteria: Invitae Variant Classification Sherloc (09022015). Collection method: clinical testing. Allele origin: germline.

Ambry Genetics
Classification: Benign for Cardiovascular phenotype. Last evaluated: 2024-04-16. Review status: criteria provided, single submitter. Criteria: Ambry Variant Classification Scheme 2023. Collection method: clinical testing. Allele origin: germline.

CeGaT Center for Human Genetics Tuebingen
Classification: Uncertain significance. Last evaluated: 2019-12-01. Review status: criteria provided, single submitter. Criteria: CeGaT Center For Human Genetics Tuebingen Variant Classification Criteria Version 2. Collection method: clinical testing. Allele origin: germline. Affected: yes. Observed: 1 variant allele.

Illumina Laboratory Services, Illumina
Classification: Likely benign for Hypoalphalipoproteinemia, primary, 1. Last evaluated: 2017-04-27. Review status: criteria provided, single submitter. Criteria: ICSL Variant Classification Criteria 13 December 2019. Collection method: clinical testing. Allele origin: germline.
Comment: This variant was observed as part of a predisposition screen in an ostensibly healthy population. A literature search was performed for the gene, cDNA change, and amino acid change (where applicable). No publications were found based on this search. Allele frequency data from public databases allowed determination this variant is unlikely to cause disease. Therefore, this variant is classified as likely benign.

Illumina Laboratory Services, Illumina
Classification: Likely benign for Tangier disease. Last evaluated: 2017-04-27. Review status: criteria provided, single submitter. Criteria: ICSL Variant Classification Criteria 13 December 2019. Collection method: clinical testing. Allele origin: germline.
Comment: the same text as in the submission from Illumina Laboratory Services, Illumina above.

Literature cited by the submitters: PubMed 23139370 (cited by Women's Health and Genetics/Laboratory Corporation of America, LabCorp); PubMed 26350511 (cited by Women's Health and Genetics/Laboratory Corporation of America, LabCorp); PubMed 28870971 (cited by Women's Health and Genetics/Laboratory Corporation of America, LabCorp and Ambry Genetics); PubMed 36973604 (cited by Ambry Genetics).

NM_005502.4(ABCA1):c.3544G>A (p.Ala1182Thr)

Gene: ABCA1 (ATP binding cassette subfamily A member 1; minus strand). Cytogenetic location: 9q31.1.
Variant type: single nucleotide variant.
Coding change: c.3544G>A on transcript NM_005502.4 (MANE Select); coding-DNA position 3544, G replaced by A.
Protein change: p.Ala1182Thr; replaces alanine 1182 with threonine.
Molecular consequence: missense variant.
Genome position (GRCh38, 1-based): chr9:104,816,337, C>T on the plus strand (G>A on the coding strand, the complement: ABCA1 is on the minus strand). VCF-style: chr9-104816337-C-T. GRCh37 (hg19) VCF-style: chr9-107578618-C-T.
Other names: short protein forms A1182T.
Identifiers: ClinVar variation 364414 (VCV000364414.54), dbSNP rs143180998, ClinGen allele CA5168396.